The following is an entry in ClinVar:

NM_001385125.1(OPN1SW):c.875C>T (p.Ala292Val)

Gene: OPN1SW (opsin 1, short wave sensitive; minus strand). Cytogenetic location: 7q32.1.
Variant type: single nucleotide variant.
Coding change: c.875C>T on transcript NM_001385125.1 (MANE Select); coding-DNA position 875, C replaced by T.
Protein change: p.Ala292Val; replaces alanine 292 with valine.
Molecular consequence: missense variant.
Genome position (GRCh38, 1-based): chr7:128,773,692, G>A on the plus strand (C>T on the coding strand, the complement: OPN1SW is on the minus strand). VCF-style: chr7-128773692-G-A. GRCh37 (hg19) VCF-style: chr7-128413746-G-A.
Other names: short protein forms A292V.
Identifiers: ClinVar variation 1436774 (VCV001436774.8), dbSNP rs573575684, ClinGen allele CA166210752.

ClinVar aggregate classification (germline): Uncertain significance (1 of 4 stars; one submission).

Allele frequency attached by ClinVar (database versions not stated): gnomAD exomes below 0.00001; TOPMed below 0.00001; gnomAD 0.00001.
gnomAD v4.1: 6 of 1,614,240 alleles (0.00037%); highest among the groups gnomAD compares: East Asian, 0.0022%; no homozygotes.

Submission:

Labcorp Genetics (formerly Invitae), Labcorp
Classification: Uncertain significance. Last evaluated: 2022-02-08. Review status: criteria provided, single submitter. Criteria: Invitae Variant Classification Sherloc (09022015). Collection method: clinical testing. Allele origin: germline.
Comment: This variant is not present in population databases (gnomAD no frequency). In summary, the available evidence is currently insufficient to determine the role of this variant in disease. Therefore, it has been classified as a Variant of Uncertain Significance. Algorithms developed to predict the effect of missense changes on protein structure and function are either unavailable or do not agree on the potential impact of this missense change (SIFT: "Deleterious"; PolyPhen-2: "Benign"; Align-GVGD: "Class C0"). This variant has not been reported in the literature in individuals affected with OPN1SW-related conditions. This sequence change replaces alanine, which is neutral and non-polar, with valine, which is neutral and non-polar, at codon 295 of the OPN1SW protein (p.Ala295Val).